The following is an entry in ClinVar:

NM_002254.8(KIF3C):c.712C>T (p.Arg238Ter)

Gene: KIF3C (kinesin family member 3C; minus strand). Cytogenetic location: 2p23.3.
Variant type: single nucleotide variant.
Coding change: c.712C>T on transcript NM_002254.8 (MANE Select); coding-DNA position 712, C replaced by T.
Protein change: p.Arg238Ter; replaces arginine 238 with a stop codon.
Molecular consequence: nonsense.
Genome position (GRCh38, 1-based): chr2:25,981,206, G>A on the plus strand (C>T on the coding strand, the complement: KIF3C is on the minus strand). VCF-style: chr2-25981206-G-A. GRCh37 (hg19) VCF-style: chr2-26204075-G-A.
Other names: short protein forms R238*.
Identifiers: ClinVar variation 2637951 (VCV002637951.1), dbSNP rs766643936, ClinGen allele CA1558675.

ClinVar aggregate classification (germline): Uncertain significance (1 of 4 stars; one submission).

Conditions:
KIF3C-related neurodevelopmental disorder.

Allele frequency attached by ClinVar (database versions not stated): ExAC 0.00001; gnomAD exomes below 0.00001.
gnomAD v4.1: 3 of 1,614,098 alleles (0.00019%); highest among the groups gnomAD compares: South Asian, 0.0011%; no homozygotes.

Submission:

Illumina Laboratory Services, Illumina
Classification: Uncertain significance for KIF3C-related neurodevelopmental disorder. Last evaluated: 2023-08-15. Review status: criteria provided, single submitter. Criteria: ICSLVariantClassificationCriteria RUGD 01 April 2020. Collection method: clinical testing. Allele origin: unknown.
Comment: The KIF3C c.712C>T (p.Arg238Ter) nonsense variant results in the loss of normal protein function through either protein truncation or nonsense-mediated mRNA decay. To our knowledge, this variant has not been reported in the peer-reviewed literature. The p.Arg238Ter variant is not observed in version 2.1.1 or version 3.1.2 of the Genome Aggregation Database. This variant was identified in a de novo state. Based on the available evidence, the c.712C>T (p.Arg238Ter) variant is classified as a variant of uncertain significance for KIF3C-related neurodevelopmental disorder.